The following is an entry in ClinVar:

NM_182961.4(SYNE1):c.7996C>A (p.Gln2666Lys)

Gene: SYNE1 (spectrin repeat containing nuclear envelope protein 1; minus strand). Cytogenetic location: 6q25.2.
Variant type: single nucleotide variant.
Coding change: c.7996C>A on transcript NM_182961.4 (MANE Select); coding-DNA position 7996, C replaced by A.
Protein change: p.Gln2666Lys; replaces glutamine 2666 with lysine.
Molecular consequence: missense variant.
Genome position (GRCh38, 1-based): chr6:152,391,285, G>T on the plus strand (C>A on the coding strand, the complement: SYNE1 is on the minus strand). VCF-style: chr6-152391285-G-T. GRCh37 (hg19) VCF-style: chr6-152712420-G-T.
Other names: c.8017C>A, p.Gln2673Lys (NM_033071.5); short protein forms Q2666K, Q2673K.
Identifiers: ClinVar variation 286826 (VCV000286826.17), dbSNP rs577888458, ClinGen allele CA4057657.
Genomic context (GRCh38, chr6:152,391,285, plus strand): 5'-TAATCAAATTAGCATTCAGCAGTTGTCAGTGTCTGGCTGGTGTCGCATGTACCTGTATTT[G>T]TGACAGCCGTTTCTCCAGGGTGTCTTTGCTCCCAAGAGTGCTCTCTGCACAGGCCAGTCT-3'
Protein context (NP_892006.3, residues 2656-2676): SKDTLEKRLS[Gln2666Lys]IQDILLMKGE

ClinVar aggregate classification (germline): Conflicting classifications of pathogenicity. Review status: criteria provided, conflicting classifications (1 of 4 stars). 6 submissions from 5 submitters: Uncertain significance (5); Likely benign (1). Last evaluated 2025-06-24.

Conditions:
Autosomal recessive ataxia, Beauce type. Also called: Spinocerebellar ataxia, autosomal recessive 8; ATAXIA, RECESSIVE, OF BEAUCE; SYNE1 Deficiency; SYNE1-Related Autosomal Recessive Cerebellar Ataxia. Identifiers: Orphanet 88644, MedGen C1853116, MONDO:0012549, OMIM 610743.
Emery-Dreifuss muscular dystrophy 4, autosomal dominant (EDMD4). Also called: EMERY-DREIFUSS MUSCULAR DYSTROPHY 4 WITH VARIABLE FEATURES. Identifiers: Orphanet 261, MedGen C2751807, MONDO:0013071, OMIM 612998.

Allele frequency attached by ClinVar (database versions not stated): TOPMed 0.00004.
gnomAD v4.1: 21 of 1,613,892 alleles (0.0013%); highest among the groups gnomAD compares: East Asian, 0.027%; 1 homozygote.

Submissions (6):

Revvity Omics, Revvity
Classification: Uncertain significance. Last evaluated: 2025-06-24. Review status: criteria provided, single submitter. Criteria: ACMG Guidelines, 2015. Collection method: clinical testing. Allele origin: germline.

Labcorp Genetics (formerly Invitae), Labcorp
Classification: Uncertain significance for Emery-Dreifuss muscular dystrophy 4, autosomal dominant; Autosomal recessive ataxia, Beauce type. Last evaluated: 2023-11-19. Review status: criteria provided, single submitter. Criteria: Invitae Variant Classification Sherloc (09022015). Collection method: clinical testing. Allele origin: germline.
Comment: This sequence change replaces glutamine, which is neutral and polar, with lysine, which is basic and polar, at codon 2673 of the SYNE1 protein (p.Gln2673Lys). This variant is present in population databases (rs577888458, gnomAD 0.08%). This variant has not been reported in the literature in individuals affected with SYNE1-related conditions. ClinVar contains an entry for this variant (Variation ID: 286826). An algorithm developed to predict the effect of missense changes on protein structure and function (PolyPhen-2) suggests that this variant¬†is likely to be tolerated. In summary, the available evidence is currently insufficient to determine the role of this variant in disease. Therefore, it has been classified as a Variant of Uncertain Significance.

Athena Diagnostics
Classification: Uncertain significance. Last evaluated: 2021-10-04. Review status: criteria provided, single submitter. Criteria: Athena Diagnostics Criteria. Collection method: clinical testing. Allele origin: unknown.

Illumina Laboratory Services, Illumina
Classification: Likely benign for Emery-Dreifuss muscular dystrophy 4, autosomal dominant. Last evaluated: 2018-01-12. Review status: criteria provided, single submitter. Criteria: ICSL Variant Classification Criteria 13 December 2019. Collection method: clinical testing. Allele origin: germline.
Comment: This variant was observed in the ICSL laboratory as part of a predisposition screen in an ostensibly healthy population. It had not been previously curated by ICSL or reported in the Human Gene Mutation Database (HGMD: prior to June 1st, 2018), and was therefore a candidate for classification through an automated scoring system. Utilizing variant allele frequency, disease prevalence and penetrance estimates, and inheritance mode, an automated score was calculated to assess if this variant is too frequent to cause the disease. Based on the score and internal cut-off values, a variant classified as likely benign is not then subjected to further curation. The score for this variant resulted in a classification of likely benign for this disease.

Illumina Laboratory Services, Illumina
Classification: Uncertain significance for Autosomal recessive ataxia, Beauce type. Last evaluated: 2018-01-12. Review status: criteria provided, single submitter. Criteria: ICSL Variant Classification Criteria 13 December 2019. Collection method: clinical testing. Allele origin: germline.

Eurofins Ntd Llc (ga)
Classification: Uncertain significance. Last evaluated: 2016-03-17. Review status: criteria provided, single submitter. Criteria: EGL Classification Definitions 2015. Collection method: clinical testing. Allele origin: germline. Observed: 1 variant allele, 1 heterozygote.